The following is an entry in ClinVar:

ClinVar aggregate classification (germline): Pathogenic (1 of 4 stars; one submission).

Conditions:
Familial thoracic aortic aneurysm and aortic dissection (TAAD). Also called: Thoracic aortic aneurysms and dissections. Identifiers: Orphanet 91387, MedGen C4707243, MONDO:0019625.
Marfan syndrome (MFS). Also called: Marfan syndrome type 1; Marfan's syndrome; Marfan syndrome, classic; MARFAN SYNDROME, TYPE I; FBN1-Related Marfan Syndrome. Identifiers: Orphanet 284963, Orphanet 558, MedGen C0024796, MONDO:0007947, OMIM 154700.

Submission:

Labcorp Genetics (formerly Invitae), Labcorp
Classification: Pathogenic for Marfan syndrome; Familial thoracic aortic aneurysm and aortic dissection. Last evaluated: 2015-10-30. Review status: criteria provided, single submitter. Criteria: Invitae Variant Classification Sherloc (09022015). Collection method: clinical testing. Allele origin: germline.
Comment: For these reasons, this variant has been classified as Pathogenic. This sequence change inserts 1 nucleotide in exon 60 of the FBN1 mRNA (c.7382dupA), causing a frameshift at codon 2461. This creates a premature translational stop signal (p.Asn2461Lysfs*27) and is expected to result in an absent or disrupted protein product. While this particular variant has not been reported in the literature, truncating variants in FBN1 are known to be pathogenic (PMID: 17657824, 19293843).

Literature cited by the submitters: PubMed 17657824; PubMed 19293843.

NM_000138.5(FBN1):c.7382dup (p.Asn2461fs)

Gene: FBN1 (fibrillin 1; minus strand). Cytogenetic location: 15q21.1.
Variant type: Duplication.
Coding change: c.7382dup on transcript NM_000138.5 (MANE Select); coding-DNA position 7382, one base duplicated (A; older notation c.7382dupA).
Protein change: p.Asn2461fs; shifts the reading frame from asparagine 2461.
Molecular consequence: frameshift variant.
Genome position (GRCh38, 1-based): chr15:48,425,440, T duplicated on the plus strand (A on the coding strand, the reverse complement: FBN1 is on the minus strand); the first of 5 consecutive T bases (chr15:48,425,440-48,425,444); duplicating any one gives the same sequence. VCF-style (leftmost placement, unchanged base first): chr15-48425439-G-GT. GRCh37 (hg19) VCF-style: chr15-48717636-G-GT.
Other names: short protein forms N2461fs.
Identifiers: ClinVar variation 1069359 (VCV001069359.9), dbSNP rs2141226412, ClinGen allele CA2499222964.
Genomic context (GRCh38, chr15:48,425,439, plus strand): 5'-CCTTCCATCCTCTTGCAGAATGTAGCCTTTCGGGCATGAACACTGGTAACTCCCTTCTGT[G>GT]TTTTTGCAGATAAAATTGCAGGGTTTGGGAGCCTGGTTGCACTCGTTCAGATCTATGATC-3'